The following is an entry in ClinVar:

ClinVar aggregate classification (germline): Uncertain significance. Review status: criteria provided, multiple submitters, no conflicts (2 of 4 stars). 4 submissions from 4 submitters: Uncertain significance (4). Last evaluated 2025-05-25.

Conditions:
Arrhythmogenic cardiomyopathy with wooly hair and keratoderma. Also called: Dilated cardiomyopathy with woolly hair and keratoderma; Arrhythmogenic cardiomyopathy with woolly hair and keratoderma; PALMOPLANTAR KERATODERMA WITH LEFT VENTRICULAR CARDIOMYOPATHY AND WOOLLY HAIR; Carvajal syndrome. Identifiers: Orphanet 65282, MedGen C1854063, MONDO:0011581, OMIM 605676.
Arrhythmogenic right ventricular dysplasia 8 (ARVD8). Also called: Arrhythmogenic Right Ventricular Dysplasia/Cardiomyopathy 8; ARRHYTHMOGENIC RIGHT VENTRICULAR DYSPLASIA, FAMILIAL, 8; ARRHYTHMOGENIC RIGHT VENTRICULAR CARDIOMYOPATHY 8. Identifiers: MedGen C1843896, MONDO:0011831, OMIM 607450.
Cardiovascular phenotype. Identifiers: MedGen CN230736.

Allele frequency attached by ClinVar (database versions not stated): gnomAD exomes below 0.00001; gnomAD 0.00001; TOPMed 0.00001.
gnomAD v4.1: 5 of 1,614,060 alleles (0.00031%); highest among the groups gnomAD compares: African/African-American, 0.0067%; no homozygotes.

Submissions (4):

Ambry Genetics
Classification: Uncertain significance for Cardiovascular phenotype. Last evaluated: 2025-05-25. Review status: criteria provided, single submitter. Criteria: Ambry Variant Classification Scheme 2023. Collection method: clinical testing. Allele origin: germline.
Comment: The c.1574+3A>G intronic variant results from an A to G substitution 3 nucleotides after coding exon 12 in the DSP gene. This nucleotide position is well conserved in available vertebrate species. In silico splice site analysis predicts that this alteration will not have any significant effect on splicing. Based on the available evidence, the clinical significance of this variant remains unclear.

Labcorp Genetics (formerly Invitae), Labcorp
Classification: Uncertain significance for Arrhythmogenic cardiomyopathy with wooly hair and keratoderma; Arrhythmogenic right ventricular dysplasia 8. Last evaluated: 2025-03-05. Review status: criteria provided, single submitter. Criteria: Invitae Variant Classification Sherloc (09022015). Collection method: clinical testing. Allele origin: germline.
Comment: This sequence change falls in intron 12 of the DSP gene. It does not directly change the encoded amino acid sequence of the DSP protein. It affects a nucleotide within the consensus splice site. This variant is not present in population databases (gnomAD no frequency). This variant has not been reported in the literature in individuals affected with DSP-related conditions. ClinVar contains an entry for this variant (Variation ID: 465882). Variants that disrupt the consensus splice site are a relatively common cause of aberrant splicing (PMID: 17576681, 9536098). Algorithms developed to predict the effect of sequence changes on RNA splicing suggest that this variant is not likely to affect RNA splicing. In summary, the available evidence is currently insufficient to determine the role of this variant in disease. Therefore, it has been classified as a Variant of Uncertain Significance.

All of Us Research Program, National Institutes of Health
Classification: Uncertain significance for Arrhythmogenic cardiomyopathy with wooly hair and keratoderma. Last evaluated: 2023-08-15. Review status: criteria provided, single submitter. Criteria: ACMG Guidelines, 2015. Collection method: clinical testing. Allele origin: germline. Inheritance: Autosomal dominant inheritance. Observed: 1 variant allele, 1 heterozygote.
Comment: This variant causes an A to G nucleotide substitution at the +3 position of intron 12 of the DSP gene. To our knowledge, functional studies have not been reported for this variant. This variant has not been reported in individuals affected with DSP-related disorders in the literature. This variant has not been identified in the general population by the Genome Aggregation Database (gnomAD). The available evidence is insufficient to determine the role of this variant in disease conclusively. Therefore, this variant is classified as a Variant of Uncertain Significance.

This study involves interpretation of variants in research participants for the purpose of population health screening. Participant phenotype was not available at the time of variant classification. Additional details can be found in publication PMID: 35346344, PMCID: PMC8962531

Mayo Clinic Laboratories, Mayo Clinic
Classification: Uncertain significance. Last evaluated: 2019-07-22. Review status: criteria provided, single submitter. Criteria: ACMG Guidelines, 2015. Collection method: clinical testing. Allele origin: germline. Observed: 1 variant allele.

Literature cited by the submitters: PubMed 17576681 (cited by Labcorp Genetics (formerly Invitae), Labcorp); PubMed 9536098 (cited by Labcorp Genetics (formerly Invitae), Labcorp).

NM_004415.4(DSP):c.1574+3A>G

Gene: DSP (desmoplakin; plus strand). Cytogenetic location: 6p24.3.
Variant type: single nucleotide variant.
Coding change: c.1574+3A>G on transcript NM_004415.4 (MANE Select); 3 bases into the intron after coding-DNA position 1574, A replaced by G.
Molecular consequence: intron variant.
Genome position (GRCh38, 1-based): chr6:7,569,343, A>G. VCF-style: chr6-7569343-A-G. GRCh37 (hg19) VCF-style: chr6-7569576-A-G.
Other names: c.1574+3A>G (NM_001319034.2, NM_001008844.3, LRG_423t1).
Identifiers: ClinVar variation 465882 (VCV000465882.13), dbSNP rs1231896749, ClinGen allele CA658655931.